The following is an entry in ClinVar:

NM_020928.2(ZSWIM6):c.451G>T (p.Gly151Cys)

Gene: ZSWIM6 (zinc finger SWIM-type containing 6; plus strand). Cytogenetic location: 5q12.1.
Variant type: single nucleotide variant.
Coding change: c.451G>T on transcript NM_020928.2 (MANE Select); coding-DNA position 451, G replaced by T.
Protein change: p.Gly151Cys; replaces glycine 151 with cysteine.
Molecular consequence: missense variant.
Genome position (GRCh38, 1-based): chr5:61,332,723, G>T. VCF-style: chr5-61332723-G-T. GRCh37 (hg19) VCF-style: chr5-60628550-G-T.
Other names: short protein forms G151C.
Identifiers: ClinVar variation 2655479 (VCV002655479.24), dbSNP rs2478707596, ClinGen allele CA359940742.

ClinVar aggregate classification (germline): Uncertain significance (1 of 4 stars; one submission).

Submission:

CeGaT Center for Human Genetics Tuebingen
Classification: Uncertain significance. Last evaluated: 2022-09-01. Review status: criteria provided, single submitter. Criteria: CeGaT Center For Human Genetics Tuebingen Variant Classification Criteria Version 2. Collection method: clinical testing. Allele origin: germline. Affected: yes. Observed: 1 variant allele.
Comment: ZSWIM6: PM2, PP2